The following is an entry in ClinVar:

ClinVar aggregate classification (germline): Uncertain significance (1 of 4 stars; one submission).

Conditions:
Hereditary sensory and autonomic neuropathy type 6. Also called: HSAN VI; Neuropathy, hereditary sensory and autonomic, type VI. Identifiers: Orphanet 314381, MedGen C3539003, MONDO:0013839, OMIM 614653.
Epidermolysis bullosa simplex 3, localized or generalized intermediate, with BP230 deficiency (EBS3). Also called: Epidermolysis bullosa simplex, autosomal recessive 2; Epidermolysis bullosa simplex due to BP230 deficiency. Identifiers: Orphanet 412181, MedGen C3809470, MONDO:0014180, OMIM 615425.

Allele frequency attached by ClinVar (database versions not stated): TOPMed 0.00001; gnomAD 0.00003.

Submission:

Labcorp Genetics (formerly Invitae), Labcorp
Classification: Uncertain significance for Epidermolysis bullosa simplex 3, localized or generalized intermediate, with BP230 deficiency; Hereditary sensory and autonomic neuropathy type 6. Last evaluated: 2018-12-07. Review status: criteria provided, single submitter. Criteria: Invitae Variant Classification Sherloc (09022015). Collection method: clinical testing. Allele origin: germline.
Comment: In summary, the available evidence is currently insufficient to determine the role of this variant in disease. Therefore, it has been classified as a Variant of Uncertain Significance. This sequence change affects codon 2065 of the DST mRNA. It is a 'silent' change, meaning that it does not change the encoded amino acid sequence of the DST protein.. The DST gene has multiple clinically relevant transcripts. The c.6195T>C variant occurs in alternate transcript NM_015548.4, which corresponds to c.*53375T>C in NM_001723.5, the primary transcript listed in the Methods. This variant is not present in population databases (ExAC no frequency). This variant has not been reported in the literature in individuals with DST-related conditions. Algorithms developed to predict the effect of sequence changes on RNA splicing suggest that this variant may disrupt the consensus splice site, but this prediction has not been confirmed by published transcriptional studies.

NM_001374736.1(DST):c.14064T>C (p.Asn4688=)

Gene: DST (dystonin; minus strand). Cytogenetic location: 6p12.1.
Variant type: single nucleotide variant.
Coding change: c.14064T>C on transcript NM_001374736.1 (MANE Select); coding-DNA position 14064, T replaced by C.
Protein change: p.Asn4688=; no amino-acid change (asparagine 4688 retained).
Molecular consequence: synonymous variant.
Genome position (GRCh38, 1-based): chr6:56,562,142, A>G on the plus strand (T>C on the coding strand, the complement: DST is on the minus strand). VCF-style: chr6-56562142-A-G. GRCh37 (hg19) VCF-style: chr6-56426940-A-G.
Other names: c.7707T>C, p.Asn2569= (NM_001144769.5); c.7293T>C, p.Asn2431= (NM_001144770.2); c.14064T>C, p.Asn4688= (NM_001374722.1); c.13431T>C, p.Asn4477= (NM_001374729.1); c.7173T>C, p.Asn2391= (NM_001374730.1, NM_001386100.1, NM_183380.4); c.14091T>C, p.Asn4697= (NM_001374734.1); c.6195T>C, p.Asn2065= (NM_015548.5).
Identifiers: ClinVar variation 644124 (VCV000644124.7), dbSNP rs1377086977, ClinGen allele CA450488079.